The following is an entry in ClinVar:

ClinVar aggregate classification (germline): Uncertain significance (1 of 4 stars; one submission).

Allele frequency attached by ClinVar (database versions not stated): gnomAD exomes below 0.00001.
gnomAD v4.1: 1 of 1,613,868 alleles (0.000062%); highest among the groups gnomAD compares: Non-Finnish European, 0.000085%; no homozygotes.

Submission:

Labcorp Genetics (formerly Invitae), Labcorp
Classification: Uncertain significance. Last evaluated: 2022-05-05. Review status: criteria provided, single submitter. Criteria: Invitae Variant Classification Sherloc (09022015). Collection method: clinical testing. Allele origin: germline.
Comment: In summary, the available evidence is currently insufficient to determine the role of this variant in disease. Therefore, it has been classified as a Variant of Uncertain Significance. Algorithms developed to predict the effect of missense changes on protein structure and function are either unavailable or do not agree on the potential impact of this missense change (SIFT: "Not Available"; PolyPhen-2: "Probably Damaging"; Align-GVGD: "Not Available"). This variant has not been reported in the literature in individuals affected with GUCA1A-related conditions. This variant is present in population databases (no rsID available, gnomAD 0.0009%). This sequence change replaces leucine, which is neutral and non-polar, with valine, which is neutral and non-polar, at codon 174 of the GUCA1A protein (p.Leu174Val).

NM_001384910.1(GUCA1A):c.520C>G (p.Leu174Val)

Genes: GUCA1A (guanylate cyclase activator 1A; plus strand), GUCA1ANB-GUCA1A (GUCA1ANB-GUCA1A readthrough; plus strand). Cytogenetic location: 6p21.1.
Variant type: single nucleotide variant.
Coding change: c.520C>G on transcript NM_001384910.1 (MANE Select); coding-DNA position 520, C replaced by G.
Protein change: p.Leu174Val; replaces leucine 174 with valine.
Molecular consequence: missense variant.
Genome position (GRCh38, 1-based): chr6:42,179,317, C>G. VCF-style: chr6-42179317-C-G. GRCh37 (hg19) VCF-style: chr6-42147055-C-G.
Other names: c.520C>G, p.Leu174Val (NM_000409.5, NM_001319061.2, NM_001319062.2); short protein forms L174V.
Identifiers: ClinVar variation 2134078 (VCV002134078.4), dbSNP rs1490180001, ClinGen allele CA364110398.